The following is an entry in ClinVar:

NM_153240.5(NPHP3):c.3649A>C (p.Ser1217Arg)

Genes: NPHP3-ACAD11 (NPHP3-ACAD11 readthrough (NMD candidate); minus strand), NPHP3 (nephrocystin 3; minus strand). Cytogenetic location: 3q22.1.
Variant type: single nucleotide variant.
Coding change: c.3649A>C on transcript NM_153240.5 (MANE Select); coding-DNA position 3649, A replaced by C.
Protein change: p.Ser1217Arg; replaces serine 1217 with arginine.
Molecular consequence: missense variant. On other transcripts: non-coding transcript variant (1).
Genome position (GRCh38, 1-based): chr3:132,683,446, T>G on the plus strand (A>C on the coding strand, the complement: NPHP3 is on the minus strand). VCF-style: chr3-132683446-T-G. GRCh37 (hg19) VCF-style: chr3-132402290-T-G.
Other names: short protein forms S1217R.
Identifiers: ClinVar variation 849600 (VCV000849600.10), dbSNP rs540287231, ClinGen allele CA2621685.
Genomic context (GRCh38, chr3:132,683,446, plus strand): 5'-TATGGGAACTTACCATTTGGCTATAAAGAACAGCTAAGTTCACCAAGGCAGTAGCTACAC[T>G]AGGGTGCTTTGGGCCAAAAGATTTCTGTCGAATTTCAACAGCCAATTCATACAAAGGTAC-3'
Protein context (NP_694972.3, residues 1207-1227): RQKSFGPKHP[Ser1217Arg]VATALVNLAV

ClinVar aggregate classification (germline): Uncertain significance. Review status: criteria provided, multiple submitters, no conflicts (2 of 4 stars). 3 submissions from 3 submitters: Uncertain significance (3). Last evaluated 2025-03-22.

Conditions:
Renal-hepatic-pancreatic dysplasia 1 (RHPD1). Identifiers: MedGen C3715199, MONDO:0008833, OMIM 208540.
NPHP3-related Meckel-like syndrome. Also called: Meckel syndrome type 7; GOLDSTON SYNDROME. Identifiers: Orphanet 3032, MedGen C2673885, MONDO:0009966, OMIM 267010.
Nephronophthisis 3 (NPHP3). Also called: Adolescent nephronophthisis. Identifiers: Orphanet 655, MedGen C1858392, MONDO:0011456, OMIM 604387.
Inborn genetic diseases. Identifiers: MedGen C0950123, MeSH D030342.
Nephronophthisis. Also called: Juvenile Nephronophthisis. Identifiers: Orphanet 655, MedGen C0687120, MONDO:0019005, HP:0000090.

Allele frequency attached by ClinVar (database versions not stated): ExAC 0.00002; gnomAD exomes 0.00003 and 0.00006; TOPMed 0.00008.
gnomAD v4.1: 93 of 1,612,884 alleles (0.0058%); highest among the groups gnomAD compares: Non-Finnish European, 0.0075%; no homozygotes.

Submissions (3):

Ambry Genetics
Classification: Uncertain significance for Inborn genetic diseases. Last evaluated: 2025-03-22. Review status: criteria provided, single submitter. Criteria: Ambry Variant Classification Scheme 2023. Collection method: clinical testing. Allele origin: germline.

Fulgent Genetics
Classification: Uncertain significance for Renal-hepatic-pancreatic dysplasia 1; NPHP3-related Meckel-like syndrome; Nephronophthisis 3. Last evaluated: 2024-05-09. Review status: criteria provided, single submitter. Criteria: ACMG Guidelines, 2015. Collection method: clinical testing. Allele origin: germline.

Labcorp Genetics (formerly Invitae), Labcorp
Classification: Uncertain significance for Nephronophthisis. Last evaluated: 2022-06-17. Review status: criteria provided, single submitter. Criteria: Invitae Variant Classification Sherloc (09022015). Collection method: clinical testing. Allele origin: germline.
Comment: This sequence change replaces serine, which is neutral and polar, with arginine, which is basic and polar, at codon 1217 of the NPHP3 protein (p.Ser1217Arg). This variant is present in population databases (rs540287231, gnomAD 0.005%). This variant has not been reported in the literature in individuals affected with NPHP3-related conditions. ClinVar contains an entry for this variant (Variation ID: 849600). Algorithms developed to predict the effect of missense changes on protein structure and function are either unavailable or do not agree on the potential impact of this missense change (SIFT: "Deleterious"; PolyPhen-2: "Probably Damaging"; Align-GVGD: "Class C15"). In summary, the available evidence is currently insufficient to determine the role of this variant in disease. Therefore, it has been classified as a Variant of Uncertain Significance.